The following is an entry in ClinVar:

NM_001365088.1(SLC12A6):c.2342C>G (p.Ser781Ter)

Gene: SLC12A6 (solute carrier family 12 member 6; minus strand). Cytogenetic location: 15q14.
Variant type: single nucleotide variant.
Coding change: c.2342C>G on transcript NM_001365088.1 (MANE Select); coding-DNA position 2342, C replaced by G.
Protein change: p.Ser781Ter; replaces serine 781 with a stop codon.
Molecular consequence: nonsense.
Genome position (GRCh38, 1-based): chr15:34,240,755, G>C on the plus strand (C>G on the coding strand, the complement: SLC12A6 is on the minus strand). VCF-style: chr15-34240755-G-C. GRCh37 (hg19) VCF-style: chr15-34532956-G-C.
Other names: c.2165C>G, p.Ser722Ter (NM_001042494.2, NM_001042495.2); c.2315C>G, p.Ser772Ter (NM_001042496.2); c.2297C>G, p.Ser766Ter (NM_001042497.2); c.2189C>G, p.Ser730Ter (NM_005135.2); c.2342C>G, p.Ser781Ter (NM_133647.2); short protein forms S722*, S730*, S766*, S772*, S781*.
Identifiers: ClinVar variation 5014405 (VCV005014405.1).
Genomic context (GRCh38, chr15:34,240,755, plus strand): 5'-AGGAAGTTCCCCACGATGACAGAGCCCACAATAGTGAGACCTTTTCCTGCTTTGAGCTGT[G>C]AGGCAAAGGTGAGGAGGCGAGGATGCTTGACATGTAAGTCTTCATCTAGTTTCAGTAATA-3'

ClinVar aggregate classification (germline): Pathogenic (1 of 4 stars; one submission).

Conditions:
Agenesis of the corpus callosum with peripheral neuropathy (ACCPN). Also called: CHARLEVOIX DISEASE; POLYNEUROPATHY, SENSORIMOTOR, WITH OR WITHOUT AGENESIS OF THE CORPUS CALLOSUM; HMSN/ACC; Hereditary Motor and Sensory Neuropathy with Agenesis of the Corpus Callosum. Identifiers: Orphanet 1496, MedGen C0795950, MONDO:0000902, OMIM 218000. Disease mechanism: loss of function.

Submission:

Myriad Genetics, Inc.
Classification: Pathogenic for Agenesis of the corpus callosum with peripheral neuropathy. Last evaluated: 2025-05-08. Review status: criteria provided, single submitter. Criteria: Myriad Autosomal Dominant, Autosomal Recessive and X-Linked Classification Criteria (2023). Collection method: clinical testing. Allele origin: unknown.
Comment: NM_133647.1(SLC12A6):c.2342C>G(S781*) is expected to be pathogenic in the context of Andermann syndrome. This variant is predicted to lead to an abnormal or absent protein product due to the creation of a premature termination codon in SLC12A6, a gene where loss-of-function variants are known to be pathogenic. Please note: this variant was assessed in the context of healthy population screening.